The following is an entry in ClinVar:

NM_004336.5(BUB1):c.584G>A (p.Gly195Glu)

Gene: BUB1 (BUB1 mitotic checkpoint serine/threonine kinase; minus strand). Cytogenetic location: 2q13.
Variant type: single nucleotide variant.
Coding change: c.584G>A on transcript NM_004336.5 (MANE Select); coding-DNA position 584, G replaced by A.
Protein change: p.Gly195Glu; replaces glycine 195 with glutamic acid.
Molecular consequence: missense variant.
Genome position (GRCh38, 1-based): chr2:110,667,833, C>T on the plus strand (G>A on the coding strand, the complement: BUB1 is on the minus strand). VCF-style: chr2-110667833-C-T. GRCh37 (hg19) VCF-style: chr2-111425410-C-T.
Other names: c.524G>A, p.Gly175Glu (NM_001278616.2); c.584G>A, p.Gly195Glu (NM_001278617.2); short protein forms G175E, G195E.
Identifiers: ClinVar variation 1750069 (VCV001750069.2), dbSNP rs2468028734, ClinGen allele CA348218280.

ClinVar aggregate classification (germline): Uncertain significance (1 of 4 stars; one submission).

Submission:

Ambry Genetics
Classification: Uncertain significance. Last evaluated: 2021-12-20. Review status: criteria provided, single submitter. Criteria: Ambry Variant Classification Scheme 2023. Collection method: clinical testing. Allele origin: germline.
Comment: The p.G195E variant (also known as c.584G>A), located in coding exon 7 of the BUB1 gene, results from a G to A substitution at nucleotide position 584. The glycine at codon 195 is replaced by glutamic acid, an amino acid with similar properties. This amino acid position is conserved. In addition, this alteration is predicted to be tolerated by in silico analysis. Since supporting evidence is limited at this time, the clinical significance of this alteration remains unclear.